The following is an entry in ClinVar:

ClinVar aggregate classification (germline): Conflicting classifications of pathogenicity. Review status: criteria provided, conflicting classifications (1 of 4 stars). 8 submissions from 8 submitters: Pathogenic (2); Likely pathogenic (4); Uncertain significance (2). Last evaluated 2026-09-03.

Conditions:
Hereditary cancer-predisposing syndrome. Also called: Neoplastic Syndromes, Hereditary; Tumor predisposition; Hereditary Cancer Syndrome; Hereditary neoplastic syndrome. Identifiers: Orphanet 140162, MedGen C0027672, MeSH D009386, MONDO:0015356.
Hereditary breast ovarian cancer syndrome. Also called: Hereditary breast and ovarian cancer; Hereditary breast and ovarian cancer syndrome; Hereditary breast and/or ovarian cancer syndrome; Hereditary breast and ovarian cancer syndrome (HBOC); Breast and ovarian cancer; BRCA1- and BRCA2-Associated Hereditary Breast and Ovarian Cancer. Identifiers: Orphanet 145, MedGen C0677776, MeSH D061325, MONDO:0003582. Disease mechanism: loss of function.
Familial cancer of breast. Also called: hereditary breast carcinoma; Hereditary breast cancer; BREAST CANCER, FAMILIAL. Identifiers: Orphanet 227535, MedGen C0346153, MONDO:0016419, OMIM 114480. Disease mechanism: loss of function.
Ataxia-telangiectasia syndrome (AT). Also called: Ataxia-telangiectasia, complementation group E; Cerebello-oculocutaneous telangiectasia; Immunodeficiency with ataxia telangiectasia; Ataxia-telangiectasia, complementation group D; AT, COMPLEMENTATION GROUP C; ATAXIA-TELANGIECTASIA, COMPLEMENTATION GROUP A. Identifiers: Orphanet 100, MedGen C0004135, MONDO:0008840, OMIM 208900.

Allele frequency attached by ClinVar (database versions not stated): TOPMed 0.00001.
gnomAD v4.1: 2 of 1,613,234 alleles (0.00012%); highest among the groups gnomAD compares: Non-Finnish European, 0.000085%; no homozygotes.

Submissions (8):

German Consortium for Hereditary Breast and Ovarian Cancer, University Hospital Cologne
Classification: Pathogenic for Hereditary breast ovarian cancer syndrome. Last evaluated: 2026-09-03. Review status: criteria provided, single submitter. Criteria: ClinGen ATM V1.5.0. Collection method: curation. Allele origin: germline.
Comment: This classification follows the ClinGen ACMG ATM v1.5.0 classification scheme; We chose these criteria: PVS1 (very strong pathogenic): Bueno-Martinez et al. J Pathol 2022: Minigene Assay ▼(E28p8) 84.8%, ∆(E28) 15.2%, no FL transcript; Demuth et al. Neurogenetics 2011: insertion of 8 bp at splicesite leading to FS p.Asp1371LeufsX18 , PM2 (supporting pathogenic): gnomAD v4.1.1 MAF = 0.000001240 (= 0.0001%, thus < 0.001%), PM3 (medium pathogenic): Demuth (2011, PMID: 21965147): Phenotype confident & phase unknown --> 2P

Ambry Genetics
Classification: Pathogenic for Hereditary cancer-predisposing syndrome. Last evaluated: 2024-11-05. Review status: criteria provided, single submitter. Criteria: Ambry Variant Classification Scheme 2023. Collection method: clinical testing. Allele origin: germline.
Comment: The c.4110-9C>G intronic pathogenic mutation results from a C to G substitution 9 nucleotides upstream from coding exon 27 in the ATM gene. This nucleotide position is not well conserved in available vertebrate species. In silico splice site analysis predicts that this alteration will weaken the native splice acceptor site and will result in the creation or strengthening of a novel splice acceptor site. This mutation was identified along with a second truncating mutation in a patient with a clinical diagnosis of ataxia telangiectasia (Demuth I et al. Neurogenetics, 2011 Nov;12:273-82). RNA analysis from lymphoblastoid cells established from the peripheral blood of this patient reveal that this variant activates a cryptic splice site resulting in an mRNA containing eight additional bases leading to a frame shift. RNA studies have demonstrated that this alteration results in abnormal splicing in the set of samples tested (Ambry internal data). This variant is considered to be rare based on population cohorts in the Genome Aggregation Database (gnomAD). Based on the supporting evidence, this variant is interpreted as a disease-causing mutation.

Color Diagnostics, LLC DBA Color Health
Classification: Likely pathogenic for Hereditary cancer-predisposing syndrome. Last evaluated: 2024-05-22. Review status: criteria provided, single submitter. Criteria: ACMG Guidelines, 2015. Collection method: clinical testing. Allele origin: germline.
Comment: This variant causes a C to G nucleotide substitution at the -9 position of intron 27 of the ATM gene. The variant is predicted to damage the natural splice acceptor site and create a de novo acceptor site 8 basepairs upstream. Use of the de novo site is expected to result in a frameshift and premature translation stop signal. RNA studies have shown that this variant causes insertion of 8 basepairs, partial skipping of exon 28, and results in an absent or non-functional protein product (PMID: 21965147, 35716007; ClinVar Accession: SCV001183562.4). This variant has been reported in heterozygosity in an individual affected with breast cancer (PMID: 33280026) and in compound heterozygosity with ATM c.362T>A (p.Leu121*) in an individual affected with autosomal recessive ataxia-telangiectasia (PMID: 21965147). This variant has not been identified in the general population by the Genome Aggregation Database (gnomAD). Loss of ATM function is a known mechanism of disease. Based on the available evidence, this variant is classified as Likely Pathogenic.

Myriad Genetics, Inc.
Classification: Likely pathogenic for Familial cancer of breast. Last evaluated: 2024-01-23. Review status: criteria provided, single submitter. Criteria: Myriad Autosomal Dominant, Autosomal Recessive and X-Linked Classification Criteria (2023). Collection method: clinical testing. Allele origin: unknown.
Comment: This variant is considered likely pathogenic. This variant has been reported in multiple individuals with clinical features of gene-specific disease [PMID: 21965147]. This variant is expected to disrupt protein structure [Myriad internal data].

Baylor Genetics
Classification: Likely pathogenic for Familial cancer of breast. Last evaluated: 2023-10-23. Review status: criteria provided, single submitter. Criteria: ACMG Guidelines, 2015. Collection method: clinical testing. Allele origin: unknown.

Labcorp Genetics (formerly Invitae), Labcorp
Classification: Uncertain significance for Ataxia-telangiectasia syndrome. Last evaluated: 2023-04-18. Review status: criteria provided, single submitter. Criteria: Invitae Variant Classification Sherloc (09022015). Collection method: clinical testing. Allele origin: germline.
Comment: This sequence change falls in intron 27 of the ATM gene. It does not directly change the encoded amino acid sequence of the ATM protein. This variant is not present in population databases (gnomAD no frequency). This variant has been observed in individual(s) with ataxia-telangiectasia (PMID: 21965147). ClinVar contains an entry for this variant (Variation ID: 407567). Algorithms developed to predict the effect of sequence changes on RNA splicing suggest that this variant may disrupt the consensus splice site. In summary, the available evidence is currently insufficient to determine the role of this variant in disease. Therefore, it has been classified as a Variant of Uncertain Significance.

GeneDx
Classification: Likely pathogenic. Last evaluated: 2022-12-06. Review status: criteria provided, single submitter. Criteria: GeneDx Variant Classification Process June 2021. Collection method: clinical testing. Allele origin: germline. Affected: yes.
Comment: Not observed at significant frequency in large population cohorts (gnomAD); In silico analysis supports a deleterious effect on splicing; Non-canonical splice variant demonstrated to result in abnormal splicing (External communication with Ambry Genetics); This variant is associated with the following publications: (PMID: 21965147)

Spanish ATM Cancer Susceptibility Variant Interpretation Working Group
Classification: Uncertain significance for Hereditary cancer-predisposing syndrome. Last evaluated: 2020-06-17. Review status: criteria provided, single submitter. Criteria: Feliubadaló L et al. (Clin Chem 2021). Collection method: clinical testing. Allele origin: germline. Affected: yes. Observed: 1 heterozygote.
Comment: The c.4110-9C>G intronic variant is absent from the gnomAD v2.1.1 non-cancer dataset, in a position with adequate coverage (>20x) (PM2). It is predicted to cause the loss of the natural splicing acceptor of exon 28 but also a new splicing site is created/activated according to the 4 splicing predictors of the set SpliceSiteFinderlike-MaxEntScan-NNSplice-GeneSplicer (PP3). The variant was detected in an ataxia telangiectasia patient, together with the ATM c.362T>A (p.Leu121*) truncating variant (phase unknown), which awards it with 0.5 points as per ClinGen SVI Recommendation for in trans Criterion (PM3_Supporting; PMID: 21965147). According to the authors, the RNA analysis of the variant in the patient RNA found the predicted activation of a cryptic splice site leading to the insertion of the last 8 bp of intron 27, a frameshift and expectedly NMD (PS3_Supporting; PMID: 21965147). There is no other supporting data that meet criteria for consideration. Therefore, the clinical significance of this variant is uncertain. Adapted ACMG/AMP rules applied as defined by the Spanish ATM working group: PM2 + PP3 + PM3_Supporting + PS3_Supporting (PMID: 33280026).

Literature cited by the submitters: PubMed 21965147 (cited by 5 submitters); PubMed 33280026 (cited by Color Diagnostics, LLC DBA Color Health); PubMed 35716007 (cited by Color Diagnostics, LLC DBA Color Health).

NM_000051.4(ATM):c.4110-9C>G

Gene: ATM (ATM serine/threonine kinase; plus strand). Cytogenetic location: 11q22.3.
Variant type: single nucleotide variant.
Coding change: c.4110-9C>G on transcript NM_000051.4 (MANE Select); 9 bases into the intron before coding-DNA position 4110, C replaced by G.
Molecular consequence: intron variant.
Genome position (GRCh38, 1-based): chr11:108,288,968, C>G. VCF-style: chr11-108288968-C-G. GRCh37 (hg19) VCF-style: chr11-108159695-C-G.
Other names: c.4110-9C>G (NM_001351834.2).
Identifiers: ClinVar variation 407567 (VCV000407567.26), dbSNP rs730881367, ClinGen allele CA16613348.